The following is an entry in ClinVar:

NM_002485.5(NBN):c.2170A>G (p.Arg724Gly)

Gene: NBN (nibrin; minus strand). Cytogenetic location: 8q21.3.
Variant type: single nucleotide variant.
Coding change: c.2170A>G on transcript NM_002485.5 (MANE Select); coding-DNA position 2170, A replaced by G.
Protein change: p.Arg724Gly; replaces arginine 724 with glycine.
Molecular consequence: missense variant.
Genome position (GRCh38, 1-based): chr8:89,943,267, T>C on the plus strand (A>G on the coding strand, the complement: NBN is on the minus strand). VCF-style: chr8-89943267-T-C. GRCh37 (hg19) VCF-style: chr8-90955495-T-C.
Other names: c.1924A>G, p.Arg642Gly (NM_001024688.3); short protein forms R724G, R642G.
Identifiers: ClinVar variation 820832 (VCV000820832.14), dbSNP rs1586035037, ClinGen allele CA371675321.

ClinVar aggregate classification (germline): Uncertain significance. Review status: criteria provided, multiple submitters, no conflicts (2 of 4 stars). 2 submissions from 2 submitters: Uncertain significance (2). Last evaluated 2023-10-22.

Conditions:
Hereditary cancer-predisposing syndrome. Also called: Hereditary Cancer Syndrome; Neoplastic Syndromes, Hereditary; Hereditary neoplastic syndrome; Tumor predisposition. Identifiers: Orphanet 140162, MedGen C0027672, MeSH D009386, MONDO:0015356.
Microcephaly, normal intelligence and immunodeficiency (NBS). Also called: Nijmegen breakage syndrome; Microcephaly with normal intelligence immunodeficiency and lymphoreticular malignancies; Nonsyndromal microcephaly autosomal recessive with normal intelligence; Seemanova syndrome 2; Immunodeficiency, microcephaly with normal intelligence; Ataxia telangiectasia variant V1. Identifiers: Orphanet 647, MedGen C0398791, MONDO:0009623, OMIM 251260.

Submissions (2):

Labcorp Genetics (formerly Invitae), Labcorp
Classification: Uncertain significance for Microcephaly, normal intelligence and immunodeficiency. Last evaluated: 2023-10-22. Review status: criteria provided, single submitter. Criteria: Invitae Variant Classification Sherloc (09022015). Collection method: clinical testing. Allele origin: germline.
Comment: This sequence change replaces arginine, which is basic and polar, with glycine, which is neutral and non-polar, at codon 724 of the NBN protein (p.Arg724Gly). This variant is not present in population databases (gnomAD no frequency). This variant has not been reported in the literature in individuals affected with NBN-related conditions. ClinVar contains an entry for this variant (Variation ID: 820832). An algorithm developed to predict the effect of missense changes on protein structure and function (PolyPhen-2) suggests that this variant is likely to be disruptive. In summary, the available evidence is currently insufficient to determine the role of this variant in disease. Therefore, it has been classified as a Variant of Uncertain Significance.

Ambry Genetics
Classification: Uncertain significance for Hereditary cancer-predisposing syndrome. Last evaluated: 2023-06-27. Review status: criteria provided, single submitter. Criteria: Ambry Variant Classification Scheme 2023. Collection method: clinical testing. Allele origin: germline.
Comment: The p.R724G variant (also known as c.2170A>G), located in coding exon 14 of the NBN gene, results from an A to G substitution at nucleotide position 2170. The arginine at codon 724 is replaced by glycine, an amino acid with dissimilar properties. This amino acid position is well conserved in available vertebrate species. In addition, this alteration is predicted to be tolerated by in silico analysis. Since supporting evidence is limited at this time, the clinical significance of this alteration remains unclear.